The following is an entry in ClinVar:

NM_000245.4(MET):c.1661G>C (p.Gly554Ala)

Gene: MET (MET proto-oncogene, receptor tyrosine kinase; plus strand). Cytogenetic location: 7q31.2.
Variant type: single nucleotide variant.
Coding change: c.1661G>C on transcript NM_000245.4 (MANE Select); coding-DNA position 1661, G replaced by C.
Protein change: p.Gly554Ala; replaces glycine 554 with alanine.
Molecular consequence: missense variant.
Genome position (GRCh38, 1-based): chr7:116,740,985, G>C. VCF-style: chr7-116740985-G-C. GRCh37 (hg19) VCF-style: chr7-116381039-G-C.
Other names: c.1661G>C, p.Gly554Ala (NM_001127500.3, NM_001324401.3); c.371G>C, p.Gly124Ala (NM_001324402.2); short protein forms G554A, G124A.
Identifiers: ClinVar variation 2708106 (VCV002708106.5), dbSNP rs755487203, ClinGen allele CA4448217.

ClinVar aggregate classification (germline): Conflicting classifications of pathogenicity. Review status: criteria provided, conflicting classifications (1 of 4 stars). 2 submissions from 2 submitters: Uncertain significance (1); Likely benign (1). Last evaluated 2026-07-30.

Conditions:
Hereditary cancer-predisposing syndrome. Also called: Hereditary neoplastic syndrome; Hereditary Cancer Syndrome; Neoplastic Syndromes, Hereditary; Tumor predisposition. Identifiers: Orphanet 140162, MedGen C0027672, MeSH D009386, MONDO:0015356.
Renal cell carcinoma. Identifiers: Orphanet 217071, MedGen C0007134, MeSH D002292, MONDO:0005086, HP:0005584.

Allele frequency attached by ClinVar (database versions not stated): ExAC 0.00001; gnomAD exomes below 0.00001.
gnomAD v4.1: 2 of 1,614,012 alleles (0.00012%); highest among the groups gnomAD compares: East Asian, 0.0022%; no homozygotes.

Submissions (2):

Ambry Genetics
Classification: Likely benign for Hereditary cancer-predisposing syndrome. Last evaluated: 2026-07-30. Review status: criteria provided, single submitter. Criteria: Ambry Variant Classification Scheme 2023. Collection method: clinical testing. Allele origin: germline.

Labcorp Genetics (formerly Invitae), Labcorp
Classification: Uncertain significance for Renal cell carcinoma. Last evaluated: 2026-01-06. Review status: criteria provided, single submitter. Criteria: Invitae Variant Classification Sherloc (09022015). Collection method: clinical testing. Allele origin: germline.
Comment: This sequence change replaces glycine, which is neutral and non-polar, with alanine, which is neutral and non-polar, at codon 554 of the MET protein (p.Gly554Ala). This variant is present in population databases (rs755487203, gnomAD 0.006%). This variant has not been reported in the literature in individuals affected with MET-related conditions. ClinVar contains an entry for this variant (Variation ID: 2708106). Invitae Evidence Modeling of protein sequence and biophysical properties (such as structural, functional, and spatial information, amino acid conservation, physicochemical variation, residue mobility, and thermodynamic stability) indicates that this missense variant is not expected to disrupt MET protein function with a negative predictive value of 80%. In summary, the available evidence is currently insufficient to determine the role of this variant in disease. Therefore, it has been classified as a Variant of Uncertain Significance.